The following is an entry in ClinVar:

NM_000093.5(COL5A1):c.3591C>T (p.Asp1197=)

Gene: COL5A1 (collagen type V alpha 1 chain; plus strand). Cytogenetic location: 9q34.3.
Variant type: single nucleotide variant.
Coding change: c.3591C>T on transcript NM_000093.5 (MANE Select); coding-DNA position 3591, C replaced by T.
Protein change: p.Asp1197=; no amino-acid change (aspartic acid 1197 retained).
Molecular consequence: synonymous variant.
Genome position (GRCh38, 1-based): chr9:134,811,500, C>T. VCF-style: chr9-134811500-C-T. GRCh37 (hg19) VCF-style: chr9-137703346-C-T.
Other names: p.D1197D:GAC>GAT; p.Asp1197=; c.3591C>T, p.Asp1197= (NM_001278074.1).
Identifiers: ClinVar variation 136880 (VCV000136880.67), dbSNP rs370349155, ClinGen allele CA290256.

ClinVar aggregate classification (germline): Benign/Likely benign. Review status: criteria provided, multiple submitters, no conflicts (2 of 4 stars). 10 submissions from 10 submitters: Benign (2); Likely benign (8). Last evaluated 2026-01-31.

Conditions:
Ehlers-Danlos syndrome, classic type, 1 (EDSCL1). Also called: Ehlers-Danlos syndrome, type 1; Ehlers-Danlos Syndrome, Classic Type, COL5A1-Related; EDS I; EHLERS-DANLOS SYNDROME, GRAVIS TYPE; EHLERS-DANLOS SYNDROME, SEVERE CLASSIC TYPE. Identifiers: MedGen C0268335, MONDO:0019567, OMIM 130000.
Ehlers-Danlos syndrome (EDS). Identifiers: Orphanet 98249, MedGen C0013720, MONDO:0020066.
Ehlers-Danlos syndrome, classic type (cEDS). Identifiers: Orphanet 287, MedGen C4225429, MONDO:0007522.
Familial thoracic aortic aneurysm and aortic dissection (TAAD). Also called: Thoracic aortic aneurysms and dissections. Identifiers: Orphanet 91387, MedGen C4707243, MONDO:0019625.

Allele frequency attached by ClinVar (database versions not stated): ExAC 0.00024; gnomAD exomes 0.00029 and 0.00051; TOPMed 0.00029; ESP Exome Variant Server 0.00031; gnomAD 0.00031 and 0.00032.
gnomAD v4.1: 791 of 1,612,822 alleles (0.049%); highest among the groups gnomAD compares: Non-Finnish European, 0.062%; no homozygotes.

Submissions (10):

Labcorp Genetics (formerly Invitae), Labcorp
Classification: Likely benign for Ehlers-Danlos syndrome, classic type, 1. Last evaluated: 2026-01-31. Review status: criteria provided, single submitter. Criteria: Invitae Variant Classification Sherloc (09022015). Collection method: clinical testing. Allele origin: germline.

Mayo Clinic Laboratories, Mayo Clinic
Classification: Likely benign. Last evaluated: 2025-06-03. Review status: criteria provided, single submitter. Criteria: ACMG Guidelines, 2015. Collection method: clinical testing. Allele origin: germline. Observed: 8 variant alleles.
Comment: BS1, BP4, BP7

Blueprint Genetics
Classification: Likely benign. Last evaluated: 2024-09-10. Review status: criteria provided, single submitter. Criteria: ACMG Guidelines, 2015. Collection method: clinical testing. Allele origin: germline.

Ambry Genetics
Classification: Likely benign for Familial thoracic aortic aneurysm and aortic dissection. Last evaluated: 2024-01-03. Review status: criteria provided, single submitter. Criteria: Ambry Variant Classification Scheme 2023. Collection method: clinical testing. Allele origin: germline.

Women's Health and Genetics/Laboratory Corporation of America, LabCorp
Classification: Benign. Last evaluated: 2023-07-30. Review status: criteria provided, single submitter. Criteria: LabCorp Variant Classification Summary - May 2015. Collection method: clinical testing. Allele origin: germline.

CeGaT Center for Human Genetics Tuebingen
Classification: Likely benign. Last evaluated: 2022-12-01. Review status: criteria provided, single submitter. Criteria: CeGaT Center For Human Genetics Tuebingen Variant Classification Criteria Version 2. Collection method: clinical testing. Allele origin: germline. Affected: yes. Observed: 2 variant alleles.
Comment: COL5A1: BP4, BP7

Genome Diagnostics Laboratory, The Hospital for Sick Children
Classification: Likely benign for Ehlers-Danlos syndrome. Last evaluated: 2021-04-01. Review status: criteria provided, single submitter. Criteria: ACMG Guidelines, 2015. Collection method: clinical testing. Allele origin: germline.

Illumina Laboratory Services, Illumina
Classification: Likely benign for Ehlers-Danlos syndrome, classic type, 1. Last evaluated: 2018-01-13. Review status: criteria provided, single submitter. Criteria: ICSL Variant Classification Criteria 13 December 2019. Collection method: clinical testing. Allele origin: germline.
Comment: This variant was observed in the ICSL laboratory as part of a predisposition screen in an ostensibly healthy population. It had not been previously curated by ICSL or reported in the Human Gene Mutation Database (HGMD: prior to June 1st, 2018), and was therefore a candidate for classification through an automated scoring system. Utilizing variant allele frequency, disease prevalence and penetrance estimates, and inheritance mode, an automated score was calculated to assess if this variant is too frequent to cause the disease. Based on the score and internal cut-off values, a variant classified as likely benign is not then subjected to further curation. The score for this variant resulted in a classification of likely benign for this disease.

GeneDx
Classification: Benign. Last evaluated: 2013-03-22. Review status: criteria provided, single submitter. Criteria: GeneDx Variant Classification (06012015). Collection method: clinical testing. Allele origin: germline. Affected: yes.
Comment: This variant is considered likely benign or benign based on one or more of the following criteria: it is a conservative change, it occurs at a poorly conserved position in the protein, it is predicted to be benign by multiple in silico algorithms, and/or has population frequency not consistent with disease.

PreventionGenetics, part of Exact Sciences
Classification: Likely benign. Review status: criteria provided, single submitter. Criteria: ACMG Guidelines, 2015. Collection method: clinical testing. Allele origin: germline.

Literature cited by the submitters: PubMed 29924831 (cited by Mayo Clinic Laboratories, Mayo Clinic).